The following is an entry in ClinVar:

NM_000321.3(RB1):c.1613C>T (p.Ala538Val)

Gene: RB1 (RB transcriptional corepressor 1; plus strand). Cytogenetic location: 13q14.2.
Variant type: single nucleotide variant.
Coding change: c.1613C>T on transcript NM_000321.3 (MANE Select); coding-DNA position 1613, C replaced by T.
Protein change: p.Ala538Val; replaces alanine 538 with valine.
Molecular consequence: missense variant.
Genome position (GRCh38, 1-based): chr13:48,381,361, C>T. VCF-style: chr13-48381361-C-T. GRCh37 (hg19) VCF-style: chr13-48955497-C-T.
Other names: c.1613C>T, p.Ala538Val (NM_001407165.1, NM_001407166.1); short protein forms A538V.
Identifiers: ClinVar variation 2450520 (VCV002450520.2), dbSNP rs2138145390, ClinGen allele CA388163766.

ClinVar aggregate classification (germline): Uncertain significance (1 of 4 stars; one submission).

Conditions:
Hereditary cancer-predisposing syndrome. Also called: Neoplastic Syndromes, Hereditary; Tumor predisposition; Hereditary neoplastic syndrome; Hereditary Cancer Syndrome. Identifiers: Orphanet 140162, MedGen C0027672, MeSH D009386, MONDO:0015356.

Submission:

Ambry Genetics
Classification: Uncertain significance for Hereditary cancer-predisposing syndrome. Last evaluated: 2023-03-03. Review status: criteria provided, single submitter. Criteria: Ambry Variant Classification Scheme 2023. Collection method: clinical testing. Allele origin: germline.
Comment: The p.A538V variant (also known as c.1613C>T), located in coding exon 17 of the RB1 gene, results from a C to T substitution at nucleotide position 1613. The alanine at codon 538 is replaced by valine, an amino acid with similar properties. This amino acid position is highly conserved in available vertebrate species. In addition, this alteration is predicted to be tolerated by in silico analysis. Since supporting evidence is limited at this time, the clinical significance of this alteration remains unclear.